The following is an entry in ClinVar:

NM_000152.5(GAA):c.307T>C (p.Cys103Arg)

Gene: GAA (alpha glucosidase; plus strand). Cytogenetic location: 17q25.3.
Variant type: single nucleotide variant.
Coding change: c.307T>C on transcript NM_000152.5 (MANE Select); coding-DNA position 307, T replaced by C.
Protein change: p.Cys103Arg; replaces cysteine 103 with arginine.
Molecular consequence: missense variant.
Genome position (GRCh38, 1-based): chr17:80,104,893, T>C. VCF-style: chr17-80104893-T-C. GRCh37 (hg19) VCF-style: chr17-78078692-T-C.
Other names: c.307T>C, p.Cys103Arg (NM_001079803.3, NM_001079804.3); short protein forms C103R.
Identifiers: ClinVar variation 928929 (VCV000928929.3), dbSNP rs398123174, ClinGen allele CA401360685.
Genomic context (GRCh38, chr17:80,104,893, plus strand): 5'-GACGTCCCCCCCAACAGCCGCTTCGATTGCGCCCCTGACAAGGCCATCACCCAGGAACAG[T>C]GCGAGGCCCGCGGCTGTTGCTACATCCCTGCAAAGCAGGGGCTGCAGGGAGCCCAGATGG-3'
Protein context (NP_000143.2, residues 93-113): APDKAITQEQ[Cys103Arg]EARGCCYIPA

ClinVar aggregate classification (germline): Likely pathogenic. Review status: criteria provided, multiple submitters, no conflicts (2 of 4 stars). 3 submissions from 3 submitters: Likely pathogenic (3). Last evaluated 2026-07-01.

Conditions:
Glycogen storage disease, type II (IOPD). Also called: Pompe Disease; CARDIOMEGALIA GLYCOGENICA DIFFUSA; POMPE DISEASE, INFANTILE-ONSET; GLYCOGEN STORAGE DISEASE II, INFANTILE-ONSET; ACID ALPHA-GLUCOSIDASE DEFICIENCY, INFANTILE-ONSET; GAA DEFICIENCY, INFANTILE-ONSET. Identifiers: Orphanet 365, MedGen C0017921, MONDO:0009290, OMIM 232300.
GAA-related disorders.

gnomAD v4.1: 1 of 1,612,770 alleles (0.000062%); highest among the groups gnomAD compares: Non-Finnish European, 0.000085%; no homozygotes.

Submissions (3):

Genomenon, Inc
Classification: Likely pathogenic for Glycogen storage disease, type II. Last evaluated: 2026-07-01. Review status: criteria provided, single submitter. Criteria: Genomenon Sequence Variant Interpretation Standards - Updated. Collection method: curation. Allele origin: germline. Affected: yes.
Comment: GAA p.Cys103Arg (c.307T>C) is a missense variant that changes the amino acid at codon 103 from Cysteine to Arginine. This variant has been observed in at least one proband with a GAA-related disorder in the compound heterozygous and/or homozygous state (PMID:29803406;21984055;40952111). At least one functional study has demonstrated a substantial alteration in protein function relative to the wild-type (PMID:22644586). Splicing studies have been reported (PMID:31301153). It is absent or not present at a significant frequency in gnomAD. In silico models predict that this variant is possibly or probably damaging. In conclusion, we classify GAA p.Cys103Arg (c.307T>C) as a likely pathogenic variant.

Blueprint Genetics
Classification: Likely pathogenic for GAA-related disorders. Last evaluated: 2024-03-12. Review status: criteria provided, single submitter. Criteria: ACMG Guidelines, 2015. Collection method: clinical testing. Allele origin: germline. Affected: yes. Observed: 1 variant allele.

Women's Health and Genetics/Laboratory Corporation of America, LabCorp
Classification: Likely pathogenic for Glycogen storage disease, type II. Last evaluated: 2019-04-29. Review status: criteria provided, single submitter. Criteria: LabCorp Variant Classification Summary - May 2015. Collection method: clinical testing. Allele origin: germline.
Comment: Variant summary: GAA c.307T>C (p.Cys103Arg) results in a non-conservative amino acid change in the encoded protein sequence. Five of five in-silico tools predict a damaging effect of the variant on protein function. The variant was absent in 248096 control chromosomes (gnomAD). The variant, c.307T>C, has been reported in the literature in one individual affected with Glycogen Storage Disease, Type 2 (Pompe Disease) (Furusawa_2011). One publication reports that alpha-glucosidase activity of this variant was dectected and it retained 25% enzyme activity compared to WT (Kroos_2012). Additionally, a different variant at the same codon has been reported as pathogenic by our laboratory (p.Cys103Gly).No clinical diagnostic laboratories have submitted clinical-significance assessments for this variant to ClinVar after 2014. Based on the evidence outlined above, the variant was classified as likely pathogenic.

Literature cited by the submitters: PubMed 29803406 (cited by Genomenon, Inc); PubMed 21984055 (cited by Genomenon, Inc and Women's Health and Genetics/Laboratory Corporation of America, LabCorp); PubMed 40952111 (cited by Genomenon, Inc); PubMed 22644586 (cited by Genomenon, Inc and Women's Health and Genetics/Laboratory Corporation of America, LabCorp); PubMed 31301153 (cited by Genomenon, Inc); PubMed 27142047 (cited by Women's Health and Genetics/Laboratory Corporation of America, LabCorp); PubMed 29061980 (cited by Women's Health and Genetics/Laboratory Corporation of America, LabCorp).